The following is an entry in ClinVar:

ClinVar aggregate classification (germline): Uncertain significance (1 of 4 stars; one submission).

Conditions:
Inborn genetic diseases. Identifiers: MedGen C0950123, MeSH D030342.

Submission:

Ambry Genetics
Classification: Uncertain significance for Inborn genetic diseases. Last evaluated: 2024-12-19. Review status: criteria provided, single submitter. Criteria: Ambry Variant Classification Scheme 2023. Collection method: clinical testing. Allele origin: germline.
Comment: The p.I458T variant (also known as c.1373T>C), located in coding exon 12 of the KDM1A gene, results from a T to C substitution at nucleotide position 1373. The isoleucine at codon 458 is replaced by threonine, an amino acid with similar properties. This amino acid position is conserved. In addition, this alteration is predicted to be deleterious by in silico analysis. Based on the available evidence, the clinical significance of this variant remains unclear.

NM_001009999.3(KDM1A):c.1373T>C (p.Ile458Thr)

Gene: KDM1A (lysine demethylase 1A; plus strand). Cytogenetic location: 1p36.12.
Variant type: single nucleotide variant.
Coding change: c.1373T>C on transcript NM_001009999.3 (MANE Select); coding-DNA position 1373, T replaced by C.
Protein change: p.Ile458Thr; replaces isoleucine 458 with threonine.
Molecular consequence: missense variant.
Genome position (GRCh38, 1-based): chr1:23,069,111, T>C. VCF-style: chr1-23069111-T-C. GRCh37 (hg19) VCF-style: chr1-23395604-T-C.
Other names: c.1301T>C, p.Ile434Thr (NM_001363654.2, NM_001410763.1, NM_015013.4); c.1361T>C, p.Ile454Thr (NM_001410762.1); short protein forms I434T, I454T, I458T.
Identifiers: ClinVar variation 3863214 (VCV003863214.1).
Genomic context (GRCh38, chr1:23,069,111, plus strand): 5'-TCTCTCTTAGGTTACAAGAGAAGCATGTCAAAGATGAGCAGATTGAACATTGGAAGAAGA[T>C]AGTGAAAACTCAGGAAGAATTGAAAGAACTTCTTAATAAGGTGAAATTCTGTATTTTCTT-3'
Protein context (NP_001009999.1, residues 448-468): KDEQIEHWKK[Ile458Thr]VKTQEELKEL